The following is an entry in ClinVar:

NM_018082.6(POLR3B):c.2944A>G (p.Asn982Asp)

Genes: POLR3B (RNA polymerase III subunit B; plus strand), RFX4-AS1 (RFX4 antisense RNA 1; minus strand). Cytogenetic location: 12q23.3.
Variant type: single nucleotide variant.
Coding change: c.2944A>G on transcript NM_018082.6 (MANE Select); coding-DNA position 2944, A replaced by G.
Protein change: p.Asn982Asp; replaces asparagine 982 with aspartic acid.
Molecular consequence: missense variant.
Genome position (GRCh38, 1-based): chr12:106,496,878, A>G. VCF-style: chr12-106496878-A-G. GRCh37 (hg19) VCF-style: chr12-106890656-A-G.
Other names: NM_018082.6(POLR3B):c.2944A>G; p.Asn982Asp; c.2770A>G, p.Asn924Asp (NM_001160708.2); short protein forms N924D, N982D.
Identifiers: ClinVar variation 1184075 (VCV001184075.11), dbSNP rs368213717, ClinGen allele CA6762344.
Genomic context (GRCh38, chr12:106,496,878, plus strand): 5'-ACTGCGTTTGGAGGCAGTAAAGTGAAGGATGTGTGTGAGGACCTCGTTCGCCATGGTTAT[A>G]ACTACTTGGGGAAAGACTATGTTACATCCGGCATCACAGGGTAAGCATGCGATTGAGCTA-3'
Protein context (NP_060552.4, residues 972-992): VCEDLVRHGY[Asn982Asp]YLGKDYVTSG

ClinVar aggregate classification (germline): Uncertain significance. Review status: criteria provided, multiple submitters, no conflicts (2 of 4 stars). 4 submissions from 4 submitters: Uncertain significance (3). 1 of the submissions does not count toward it. Last evaluated 2024-12-11.

Conditions:
Leukodystrophy, hypomyelinating, 8, with or without oligodontia and/or hypogonadotropic hypogonadism. Also called: LEUKODYSTROPHY, HYPOMYELINATING, 8, WITH HYPODONTIA AND HYPOGONADOTROPIC HYPOGONADISM; Hypomyelinating leukodystrophy 8 with or without oligodontia and-or hypogonadotropic hypogonadism; Endosteal sclerosis-cerebellar hypoplasia syndrome. Identifiers: Orphanet 85186, Orphanet 88637, MedGen C3280644, MONDO:0013722, OMIM 614381.

Allele frequency attached by ClinVar (database versions not stated): gnomAD exomes 0.00004 and 0.00007; ESP Exome Variant Server 0.00008; ExAC 0.00003; TOPMed 0.00005; gnomAD 0.00007 and 0.00009.
gnomAD v4.1: 110 of 1,613,970 alleles (0.0068%); highest among the groups gnomAD compares: Middle Eastern, 0.016%; no homozygotes.

Submissions (4):

Labcorp Genetics (formerly Invitae), Labcorp
Classification: Uncertain significance. Last evaluated: 2024-12-11. Review status: criteria provided, single submitter. Criteria: Invitae Variant Classification Sherloc (09022015). Collection method: clinical testing. Allele origin: germline.
Comment: This sequence change replaces asparagine, which is neutral and polar, with aspartic acid, which is acidic and polar, at codon 982 of the POLR3B protein (p.Asn982Asp). This variant is present in population databases (rs368213717, gnomAD 0.008%). This missense change has been observed in individual(s) with 4H leukodystrophy (PMID: 25339210). ClinVar contains an entry for this variant (Variation ID: 1184075). Invitae Evidence Modeling of protein sequence and biophysical properties (such as structural, functional, and spatial information, amino acid conservation, physicochemical variation, residue mobility, and thermodynamic stability) indicates that this missense variant is not expected to disrupt POLR3B protein function with a negative predictive value of 80%. In summary, the available evidence is currently insufficient to determine the role of this variant in disease. Therefore, it has been classified as a Variant of Uncertain Significance.

GeneDx
Classification: Uncertain significance. Last evaluated: 2024-04-06. Review status: criteria provided, single submitter. Criteria: GeneDx Variant Classification Process June 2021. Collection method: clinical testing. Allele origin: germline. Affected: yes.
Comment: In silico analysis supports that this missense variant has a deleterious effect on protein structure/function; This variant is associated with the following publications: (PMID: 26011300, 25339210)

Broad Center for Mendelian Genomics, Broad Institute of MIT and Harvard
Classification: Uncertain significance for Leukodystrophy, hypomyelinating, 8, with or without oligodontia and/or hypogonadotropic hypogonadism. Last evaluated: 2022-02-28. Review status: criteria provided, single submitter. Criteria: ACMG Guidelines, 2015. Collection method: curation. Allele origin: germline. Inheritance: Autosomal recessive inheritance.
Comment: The p.Asn982Asp variant in POLR3B has been reported in 1 individual in the compound heterozygous state with 4H leukodystrophy (PMID: 25339210) and has been identified in 0.008% (10/129186) of European (non-Finnish) chromosomes by the Genome Aggregation Database (gnomAD; dbSNP ID: rs368213717). Although this variant has been seen in the general population in a heterozygous state, its frequency is low enough to be consistent with a recessive carrier frequency. This variant has also been reported in ClinVar (Variation ID#: 1184075) and has been interpreted as VUS by GeneDx and pathogenic by GeneReviews. Computational prediction tools and conservation analyses suggest that this variant may impact the protein, though this information is not predictive enough to determine pathogenicity. The number of missense variants reported in POLR3B in the general population is lower than expected, suggesting there is little benign variation in this gene and slightly increasing the possibility that a missense variant in this gene may not be tolerated. In summary, the clinical significance of the p.Asn982Asp variant is uncertain. ACMG/AMP Criteria applied: PM2_supporting, PP3, PP2 (Richards 2015).

GeneReviews
No classification provided. Condition: Leukodystrophy, hypomyelinating, 8, with or without oligodontia and/or hypogonadotropic hypogonadism. Review status: no classification provided. Collection method: literature only. Allele origin: germline. Not counted in ClinVar's aggregate classification.

Literature cited by the submitters: PubMed 25339210 (cited by Labcorp Genetics (formerly Invitae), Labcorp and GeneReviews); PubMed 26011300 (cited by GeneReviews); PubMed 22855961 (cited by GeneReviews).